The following is an entry in ClinVar:

NM_001142800.2(EYS):c.8726del (p.Thr2909fs)

Genes: EYS (EGF-like photoreceptor maintenance factor; minus strand), PHF3 (PHD finger protein 3; plus strand). Cytogenetic location: 6q12.
Variant type: Deletion.
Coding change: c.8726del on transcript NM_001142800.2 (MANE Select); coding-DNA position 8726, one base deleted (C; older notation c.8726delC).
Protein change: p.Thr2909fs; shifts the reading frame from threonine 2909.
Molecular consequence: frameshift variant. On other transcripts: 3 prime UTR variant (5).
Genome position (GRCh38, 1-based): chr6:63,721,305, G deleted on the plus strand (C on the coding strand, the reverse complement: EYS is on the minus strand). VCF-style (leftmost placement, unchanged base first): chr6-63721304-TG-T. GRCh37 (hg19) VCF-style: chr6-64431200-TG-T.
Other names: c.*7597del (NM_001290259.2, NM_001370348.2, NM_001370349.2 and 2 more transcripts); c.8789del, p.Thr2930fs (NM_001292009.2); short protein forms T2909fs, T2930fs.
Identifiers: ClinVar variation 2832100 (VCV002832100.4), dbSNP rs1768377655, ClinGen allele CA450862436.

ClinVar aggregate classification (germline): Pathogenic/Likely pathogenic. Review status: criteria provided, multiple submitters, no conflicts (2 of 4 stars). 2 submissions from 2 submitters: Pathogenic (1); Likely pathogenic (1). Last evaluated 2023-11-09.

Conditions:
Retinitis pigmentosa 25 (RP25). Identifiers: Orphanet 791, MedGen C1864446, MONDO:0011272, OMIM 602772.

Allele frequency attached by ClinVar (database versions not stated): TOPMed below 0.00001; gnomAD 0.00001.

Submissions (2):

Baylor Genetics
Classification: Likely pathogenic for Retinitis pigmentosa 25. Last evaluated: 2023-11-09. Review status: criteria provided, single submitter. Criteria: ACMG Guidelines, 2015. Collection method: clinical testing. Allele origin: unknown.

Labcorp Genetics (formerly Invitae), Labcorp
Classification: Pathogenic. Last evaluated: 2023-01-26. Review status: criteria provided, single submitter. Criteria: Invitae Variant Classification Sherloc (09022015). Collection method: clinical testing. Allele origin: germline.
Comment: For these reasons, this variant has been classified as Pathogenic. This variant disrupts a region of the EYS protein in which other variant(s) (p.Tyr3135*) have been determined to be pathogenic (PMID: 18976725, 29159838, 30337596, 31074760). This suggests that this is a clinically significant region of the protein, and that variants that disrupt it are likely to be disease-causing. This variant has not been reported in the literature in individuals affected with EYS-related conditions. This variant is not present in population databases (gnomAD no frequency). This sequence change creates a premature translational stop signal (p.Thr2909Asnfs*9) in the EYS gene. While this is not anticipated to result in nonsense mediated decay, it is expected to disrupt the last 236 amino acid(s) of the EYS protein.

Literature cited by the submitters: PubMed 18976725 (cited by Labcorp Genetics (formerly Invitae), Labcorp); PubMed 29159838 (cited by Labcorp Genetics (formerly Invitae), Labcorp); PubMed 30337596 (cited by Labcorp Genetics (formerly Invitae), Labcorp); PubMed 31074760 (cited by Labcorp Genetics (formerly Invitae), Labcorp).